The following is an entry in ClinVar:

NM_006915.3(RP2):c.609T>C (p.Thr203=)

Gene: RP2 (RP2 activator of ARL3 GTPase; plus strand). Cytogenetic location: Xp11.3.
Variant type: single nucleotide variant.
Coding change: c.609T>C on transcript NM_006915.3 (MANE Select); coding-DNA position 609, T replaced by C.
Protein change: p.Thr203=; no amino-acid change (threonine 203 retained).
Molecular consequence: synonymous variant.
Genome position (GRCh38, 1-based): chrX:46,853,982, T>C. VCF-style: chrX-46853982-T-C. GRCh37 (hg19) VCF-style: chrX-46713417-T-C.
Other names: c.609T>C (NM_006915.2).
Identifiers: ClinVar variation 2974068 (VCV002974068.4), dbSNP rs782244976, ClinGen allele CA10394222.

ClinVar aggregate classification (germline): Benign/Likely benign. Review status: criteria provided, multiple submitters, no conflicts (2 of 4 stars). 2 submissions from 2 submitters: Benign (1); Likely benign (1). Last evaluated 2026-01-15.

Conditions:
RP2-related disorder. Also called: RP2-related condition.

Allele frequency attached by ClinVar (database versions not stated): gnomAD exomes 0.00001; TOPMed 0.00001; gnomAD 0.00002; ExAC 0.00003.

Submissions (2):

PreventionGenetics, part of Exact Sciences
Classification: Likely benign for RP2-related condition. Last evaluated: 2026-01-15. Review status: criteria provided, single submitter. Criteria: ACMG Guidelines, 2015. Collection method: clinical testing. Allele origin: germline.
Comment: This variant is classified as likely benign based on ACMG/AMP sequence variant interpretation guidelines (Richards et al. 2015 PMID: 25741868, with internal and published modifications).

Labcorp Genetics (formerly Invitae), Labcorp
Classification: Benign. Last evaluated: 2024-02-26. Review status: criteria provided, single submitter. Criteria: Invitae Variant Classification Sherloc (09022015). Collection method: clinical testing. Allele origin: germline.